The following is an entry in ClinVar:

NM_000551.4(VHL):c.217C>G (p.Gln73Glu)

Gene: VHL (von Hippel-Lindau tumor suppressor; plus strand). Cytogenetic location: 3p25.3.
Variant type: single nucleotide variant.
Coding change: c.217C>G on transcript NM_000551.4 (MANE Select); coding-DNA position 217, C replaced by G.
Protein change: p.Gln73Glu; replaces glutamine 73 with glutamic acid.
Molecular consequence: missense variant.
Genome position (GRCh38, 1-based): chr3:10,142,064, C>G. VCF-style: chr3-10142064-C-G. GRCh37 (hg19) VCF-style: chr3-10183748-C-G.
Other names: c.217C>G, p.Gln73Glu (NM_001354723.2, NM_198156.3); short protein forms Q73E.
Identifiers: ClinVar variation 566960 (VCV000566960.14), dbSNP rs869025619, ClinGen allele CA70042515.
Genomic context (GRCh38, chr3:10,142,064, plus strand): 5'-GAGATGGAGGCCGGGCGGCCGCGGCCCGTGCTGCGCTCGGTGAACTCGCGCGAGCCCTCC[C>G]AGGTCATCTTCTGCAATCGCAGTCCGCGCGTCGTGCTGCCCGTATGGCTCAACTTCGACG-3'
Protein context (NP_000542.1, residues 63-83): LRSVNSREPS[Gln73Glu]VIFCNRSPRV

ClinVar aggregate classification (germline): Conflicting classifications of pathogenicity. Review status: criteria provided, conflicting classifications (1 of 4 stars). 2 submissions from 2 submitters: Uncertain significance (1); Likely benign (1). Last evaluated 2025-01-20.

Conditions:
Von Hippel-Lindau syndrome (VHLS). Also called: von Hippel–Lindau syndrome; Von Hippel-Lindau; VHL syndrome. Identifiers: Orphanet 892, MedGen C0019562, MONDO:0008667, OMIM 193300. Disease mechanism: loss of function.
Chuvash polycythemia. Also called: POLYCYTHEMIA, VHL-DEPENDENT. Identifiers: Orphanet 238557, MedGen C1837915, MONDO:0009892, OMIM 263400.
Hereditary cancer-predisposing syndrome. Also called: Neoplastic Syndromes, Hereditary; Tumor predisposition; Hereditary Cancer Syndrome; Hereditary neoplastic syndrome. Identifiers: Orphanet 140162, MedGen C0027672, MeSH D009386, MONDO:0015356.

gnomAD v4.1: 2 of 1,607,444 alleles (0.00012%); highest among the groups gnomAD compares: Non-Finnish European, 0.00017%; no homozygotes.

Submissions (2):

Ambry Genetics
Classification: Likely benign for Hereditary cancer-predisposing syndrome. Last evaluated: 2025-01-20. Review status: criteria provided, single submitter. Criteria: Ambry Variant Classification Scheme 2023. Collection method: clinical testing. Allele origin: germline.

Labcorp Genetics (formerly Invitae), Labcorp
Classification: Uncertain significance for Von Hippel-Lindau syndrome; Chuvash polycythemia. Last evaluated: 2024-10-28. Review status: criteria provided, single submitter. Criteria: Invitae Variant Classification Sherloc (09022015). Collection method: clinical testing. Allele origin: germline.
Comment: This sequence change replaces glutamine, which is neutral and polar, with glutamic acid, which is acidic and polar, at codon 73 of the VHL protein (p.Gln73Glu). This variant is not present in population databases (gnomAD no frequency). This variant has not been reported in the literature in individuals affected with VHL-related conditions. ClinVar contains an entry for this variant (Variation ID: 566960). Invitae Evidence Modeling of protein sequence and biophysical properties (such as structural, functional, and spatial information, amino acid conservation, physicochemical variation, residue mobility, and thermodynamic stability) indicates that this missense variant is expected to disrupt VHL protein function with a positive predictive value of 95%. In summary, the available evidence is currently insufficient to determine the role of this variant in disease. Therefore, it has been classified as a Variant of Uncertain Significance.

Literature cited by the submitters: PubMed 38969834 (cited by Ambry Genetics).